The following is an entry in ClinVar:

ClinVar aggregate classification (germline): Uncertain significance. Review status: criteria provided, multiple submitters, no conflicts (2 of 4 stars). 2 submissions from 2 submitters: Uncertain significance (2). Last evaluated 2025-09-26.

Conditions:
Inborn genetic diseases. Identifiers: MedGen C0950123, MeSH D030342.

Allele frequency attached by ClinVar (database versions not stated): ExAC 0.00001; TOPMed 0.00002; gnomAD exomes below 0.00001; ESP Exome Variant Server 0.00008.
gnomAD v4.1: 51 of 1,613,962 alleles (0.0032%); highest among the groups gnomAD compares: Non-Finnish European, 0.0042%; no homozygotes.

Submissions (2):

Ambry Genetics
Classification: Uncertain significance for Inborn genetic diseases. Last evaluated: 2025-09-26. Review status: criteria provided, single submitter. Criteria: Ambry Variant Classification Scheme 2023. Collection method: clinical testing. Allele origin: germline.

Labcorp Genetics (formerly Invitae), Labcorp
Classification: Uncertain significance. Last evaluated: 2023-06-30. Review status: criteria provided, single submitter. Criteria: Invitae Variant Classification Sherloc (09022015). Collection method: clinical testing. Allele origin: germline.
Comment: In summary, the available evidence is currently insufficient to determine the role of this variant in disease. Therefore, it has been classified as a Variant of Uncertain Significance. Advanced modeling of protein sequence and biophysical properties (such as structural, functional, and spatial information, amino acid conservation, physicochemical variation, residue mobility, and thermodynamic stability) performed at Invitae indicates that this missense variant is expected to disrupt P3H2 protein function. ClinVar contains an entry for this variant (Variation ID: 1510888). This variant has not been reported in the literature in individuals affected with P3H2-related conditions. This variant is present in population databases (rs149099374, gnomAD 0.007%). This sequence change replaces asparagine, which is neutral and polar, with lysine, which is basic and polar, at codon 650 of the P3H2 protein (p.Asn650Lys).

NM_018192.4(P3H2):c.1950C>A (p.Asn650Lys)

Gene: P3H2 (prolyl 3-hydroxylase 2; minus strand). Cytogenetic location: 3q28.
Variant type: single nucleotide variant.
Coding change: c.1950C>A on transcript NM_018192.4 (MANE Select); coding-DNA position 1950, C replaced by A.
Protein change: p.Asn650Lys; replaces asparagine 650 with lysine.
Molecular consequence: missense variant.
Genome position (GRCh38, 1-based): chr3:189,964,042, G>T on the plus strand (C>A on the coding strand, the complement: P3H2 is on the minus strand). VCF-style: chr3-189964042-G-T. GRCh37 (hg19) VCF-style: chr3-189681831-G-T.
Other names: c.1407C>A, p.Asn469Lys (NM_001134418.2); c.1950C>A (NM_018192.3); short protein forms N469K, N650K.
Identifiers: ClinVar variation 1510888 (VCV001510888.7), dbSNP rs149099374, ClinGen allele CA2752711.